The following is an entry in ClinVar:

NM_183235.3(RAB27A):c.428T>C (p.Val143Ala)

Gene: RAB27A (RAB27A, member RAS oncogene family; minus strand). Cytogenetic location: 15q21.3.
Variant type: single nucleotide variant.
Coding change: c.428T>C on transcript NM_183235.3 (MANE Select); coding-DNA position 428, T replaced by C.
Protein change: p.Val143Ala; replaces valine 143 with alanine.
Molecular consequence: missense variant.
Genome position (GRCh38, 1-based): chr15:55,223,928, A>G on the plus strand (T>C on the coding strand, the complement: RAB27A is on the minus strand). VCF-style: chr15-55223928-A-G. GRCh37 (hg19) VCF-style: chr15-55516126-A-G.
Other names: c.428T>C, p.Val143Ala (NM_004580.5, NM_183234.3, NM_183236.3); short protein forms V143A.
Identifiers: ClinVar variation 2137717 (VCV002137717.4), dbSNP rs2140958498, ClinGen allele CA392529619.
Genomic context (GRCh38, chr15:55,223,928, plus strand): 5'-CTTCTCCACAAAAATACTCACCCATATTTCTCTGCGAGTGCTATGGCTTCCTCCTCTTTC[A>G]CTACTCTCTGGTCCTCCAGATCACTCTTGTTTCCACACAGCACTATATCTGGGTTTTCAC-3'
Protein context (NP_899058.1, residues 133-153): NKSDLEDQRV[Val143Ala]KEEEAIALAE

ClinVar aggregate classification (germline): Likely pathogenic (1 of 4 stars; one submission).

Conditions:
Griscelli syndrome type 2 (GS2). Also called: PAID SYNDROME; PARTIAL ALBINISM AND IMMUNODEFICIENCY SYNDROME; GRISCELLI SYNDROME WITH HEMOPHAGOCYTIC SYNDROME. Identifiers: Orphanet 381, Orphanet 79477, MedGen C1868679, MONDO:0011872, OMIM 607624.

Allele frequency attached by ClinVar (database versions not stated): gnomAD exomes below 0.00001.
gnomAD v4.1: 2 of 1,613,854 alleles (0.00012%); highest among the groups gnomAD compares: Middle Eastern, 0.016%; no homozygotes.

Submission:

Labcorp Genetics (formerly Invitae), Labcorp
Classification: Likely pathogenic for Griscelli syndrome type 2. Last evaluated: 2024-10-07. Review status: criteria provided, single submitter. Criteria: Invitae Variant Classification Sherloc (09022015). Collection method: clinical testing. Allele origin: germline.
Comment: This sequence change replaces valine, which is neutral and non-polar, with alanine, which is neutral and non-polar, at codon 143 of the RAB27A protein (p.Val143Ala). This variant is not present in population databases (gnomAD no frequency). This missense change has been observed in individuals with Griscelli syndrome type 2 (PMID: 28936583, 33362801). ClinVar contains an entry for this variant (Variation ID: 2137717). Invitae Evidence Modeling of protein sequence and biophysical properties (such as structural, functional, and spatial information, amino acid conservation, physicochemical variation, residue mobility, and thermodynamic stability) indicates that this missense variant is expected to disrupt RAB27A protein function with a positive predictive value of 95%. Experimental studies have shown that this missense change affects RAB27A function (PMID: 33362801). In summary, the currently available evidence indicates that the variant is pathogenic, but additional data are needed to prove that conclusively. Therefore, this variant has been classified as Likely Pathogenic.

Literature cited by the submitters: PubMed 28936583; PubMed 33362801.